The following is an entry in ClinVar:

ClinVar aggregate classification (germline): Likely benign. Review status: criteria provided, multiple submitters, no conflicts (2 of 4 stars). 2 submissions from 2 submitters: Likely benign (2). Last evaluated 2025-04-11.

Conditions:
Muscular dystrophy-dystroglycanopathy (congenital with brain and eye anomalies), type A13. Also called: WALKER-WARBURG SYNDROME OR MUSCLE-EYE-BRAIN DISEASE, B3GNT1-RELATED; Muscular dystrophy-dystroglycanopathy (congenital with brain and eye anomalies), type a, 13. Identifiers: Orphanet 899, MedGen C3809042, MONDO:0014120, OMIM 615287.

Allele frequency attached by ClinVar (database versions not stated): gnomAD exomes below 0.00001; TOPMed below 0.00001; ExAC 0.00001; gnomAD 0.00001.

Submissions (2):

Labcorp Genetics (formerly Invitae), Labcorp
Classification: Likely benign for Muscular dystrophy-dystroglycanopathy (congenital with brain and eye anomalies), type A13. Last evaluated: 2025-04-11. Review status: criteria provided, single submitter. Criteria: Invitae Variant Classification Sherloc (09022015). Collection method: clinical testing. Allele origin: germline.

CeGaT Center for Human Genetics Tuebingen
Classification: Likely benign. Last evaluated: 2023-04-01. Review status: criteria provided, single submitter. Criteria: CeGaT Center For Human Genetics Tuebingen Variant Classification Criteria Version 2. Collection method: clinical testing. Allele origin: germline. Affected: yes. Observed: 1 variant allele.
Comment: B4GAT1: BP4

NM_006876.3(B4GAT1):c.1152C>G (p.Pro384=)

Gene: B4GAT1 (beta-1,4-glucuronyltransferase 1; minus strand). Cytogenetic location: 11q13.2.
Variant type: single nucleotide variant.
Coding change: c.1152C>G on transcript NM_006876.3 (MANE Select); coding-DNA position 1152, C replaced by G.
Protein change: p.Pro384=; no amino-acid change (proline 384 retained).
Molecular consequence: synonymous variant.
Genome position (GRCh38, 1-based): chr11:66,346,145, G>C on the plus strand (C>G on the coding strand, the complement: B4GAT1 is on the minus strand). VCF-style: chr11-66346145-G-C. GRCh37 (hg19) VCF-style: chr11-66113616-G-C.
Identifiers: ClinVar variation 2570802 (VCV002570802.30), dbSNP rs767119927, ClinGen allele CA6120439.
Genomic context (GRCh38, chr11:66,346,145, plus strand): 5'-CAACTCCTGTTTGAACTGGCGATATAGGATCTTATTGTGCTGATTTTCAGCCTCCTTTTG[G>C]GGATGGAACTTCAACGCTTCTTTGAAGCCCTTATGAACCAAGAAACCTTCGTTCAGGACC-3'
Protein context (NP_006867.1, residues 374-394): KGFKEALKFH[Pro384=]QKEAENQHNK